The following is an entry in ClinVar:

ClinVar aggregate classification (germline): Uncertain significance (0 of 4 stars; one submission).

Conditions:
SEMA3C-related disorder. Also called: SEMA3C-related condition.

gnomAD v4.1: 5 of 1,613,974 alleles (0.00031%); highest among the groups gnomAD compares: Non-Finnish European, 0.00042%; no homozygotes.

Submission:

PreventionGenetics, part of Exact Sciences
Classification: Uncertain significance for SEMA3C-related condition. Last evaluated: 2024-05-23. Review status: no assertion criteria provided. Collection method: clinical testing. Allele origin: germline.
Comment: The SEMA3C c.1361G>A variant is predicted to result in the amino acid substitution p.Arg454Gln. To our knowledge, this variant has not been reported in the literature or in gnomAD, indicating this variant is rare. At this time, the clinical significance of this variant is uncertain due to the absence of conclusive functional and genetic evidence.

NM_006379.5(SEMA3C):c.1307G>A (p.Arg436Gln)

Gene: SEMA3C (semaphorin 3C; minus strand). Cytogenetic location: 7q21.11.
Variant type: single nucleotide variant.
Coding change: c.1307G>A on transcript NM_006379.5 (MANE Select); coding-DNA position 1307, G replaced by A.
Protein change: p.Arg436Gln; replaces arginine 436 with glutamine.
Molecular consequence: missense variant.
Genome position (GRCh38, 1-based): chr7:80,789,353, C>T on the plus strand (G>A on the coding strand, the complement: SEMA3C is on the minus strand). VCF-style: chr7-80789353-C-T. GRCh37 (hg19) VCF-style: chr7-80418669-C-T.
Other names: c.1361G>A, p.Arg454Gln (NM_001350120.2); c.1133G>A, p.Arg378Gln (NM_001350121.2); short protein forms R378Q, R436Q, R454Q.
Identifiers: ClinVar variation 3353447 (VCV003353447.1).
Genomic context (GRCh38, chr7:80,789,353, plus strand): 5'-CTCAAATATTTACCTGTTCCGAGAAACAGGACATGGTATCTCCCATCAGCAGCGTTCACT[C>T]GATCCACAGCTATCTTTGTATACTTGTAGTCAGTGCCAATACGAACAATCAAAGGCCTTT-3'
Protein context (NP_006370.1, residues 426-446): DYKYTKIAVD[Arg436Gln]VNAADGRYHV